The following is an entry in ClinVar:

NM_001160372.4(TRAPPC9):c.661G>A (p.Asp221Asn)

Gene: TRAPPC9 (trafficking protein particle complex subunit 9; minus strand). Cytogenetic location: 8q24.3.
Variant type: single nucleotide variant.
Coding change: c.661G>A on transcript NM_001160372.4 (MANE Select); coding-DNA position 661, G replaced by A.
Protein change: p.Asp221Asn; replaces aspartic acid 221 with asparagine.
Molecular consequence: missense variant. On other transcripts: non-coding transcript variant (1).
Genome position (GRCh38, 1-based): chr8:140,439,121, C>T on the plus strand (G>A on the coding strand, the complement: TRAPPC9 is on the minus strand). VCF-style: chr8-140439121-C-T. GRCh37 (hg19) VCF-style: chr8-141449220-C-T.
Other names: c.661G>A, p.Asp221Asn (NM_001321646.2, NM_001374683.1, NM_001374684.1 and 1 more transcripts); c.682G>A, p.Asp228Asn (NM_001374682.1); short protein forms D221N, D228N.
Identifiers: ClinVar variation 1995535 (VCV001995535.4), dbSNP rs2070920860, ClinGen allele CA372317661.

ClinVar aggregate classification (germline): Uncertain significance (1 of 4 stars; one submission).

Allele frequency attached by ClinVar (database versions not stated): TOPMed below 0.00001.

Submission:

Labcorp Genetics (formerly Invitae), Labcorp
Classification: Uncertain significance. Last evaluated: 2025-02-03. Review status: criteria provided, single submitter. Criteria: Invitae Variant Classification Sherloc (09022015). Collection method: clinical testing. Allele origin: germline.
Comment: This sequence change replaces aspartic acid, which is acidic and polar, with asparagine, which is neutral and polar, at codon 319 of the TRAPPC9 protein (p.Asp319Asn). This variant is not present in population databases (gnomAD no frequency). This variant has not been reported in the literature in individuals affected with TRAPPC9-related conditions. ClinVar contains an entry for this variant (Variation ID: 1995535). An algorithm developed to predict the effect of missense changes on protein structure and function (PolyPhen-2) suggests that this variant is likely to be disruptive. In summary, the available evidence is currently insufficient to determine the role of this variant in disease. Therefore, it has been classified as a Variant of Uncertain Significance.